The following is an entry in ClinVar:

NM_033380.3(COL4A5):c.2146+1G>C

Gene: COL4A5 (collagen type IV alpha 5 chain; plus strand). Cytogenetic location: Xq22.3.
Variant type: single nucleotide variant.
Coding change: c.2146+1G>C on transcript NM_033380.3 (MANE Select); the canonical splice donor site of the intron after coding-DNA position 2146, G replaced by C.
Molecular consequence: splice donor variant.
Genome position (GRCh38, 1-based): chrX:108,601,990, G>C. VCF-style: chrX-108601990-G-C. GRCh37 (hg19) VCF-style: chrX-107845220-G-C.
Other names: c.2146+1G>C (NM_000495.5).
Identifiers: ClinVar variation 3236228 (VCV003236228.2), dbSNP rs2524329089, ClinGen allele CA413847107.
Genomic context (GRCh38, chrX:108,601,990, plus strand): 5'-GTAGCAAAGGAGAACCAGGTATCCCTGGAATTGGGCTTCCTGGACCACCTGGTCCCAAAG[G>C]TATGTTGGAATGGGTAGCAGGCAGAGTAGGTTAGAAGTTTAGCATGATGTTATTCTCTCA-3'

ClinVar aggregate classification (germline): Pathogenic. Review status: criteria provided, multiple submitters, no conflicts (2 of 4 stars). 2 submissions from 2 submitters: Pathogenic (2). Last evaluated 2025-09-01.

Conditions:
X-linked Alport syndrome (ATS1). Also called: COL4A5-Related Nephropathy; NEPHROPATHY AND DEAFNESS, X-LINKED. Identifiers: Orphanet 63, Orphanet 88917, MedGen C4746986, MONDO:0010520, OMIM 301050.

Submissions (2):

Victorian Clinical Genetics Services, Murdoch Childrens Research Institute
Classification: Pathogenic for X-linked Alport syndrome. Last evaluated: 2025-09-01. Review status: criteria provided, single submitter. Criteria: ACMG Guidelines, 2015. Collection method: clinical testing. Allele origin: germline. Affected: yes.
Comment: This variant is classified as Pathogenic. Evidence in support of pathogenic classification: Canonical splice site variant without proven consequence on splicing (no functional evidence available); Variant is absent from gnomAD (v2, v3 and v4); This variant has limited previous evidence of pathogenicity in an unrelated individual(s). This variant has been classified as pathogenic by a clinical laboratory in ClinVar. - Other splice site variant(s) comparable to the one identified in this case have very strong previous evidence for pathogenicity. One comparable variant has been classified as pathogenic by a clinical laboratory in ClinVar. Four others have been observed in individuals with renal disorders in the literature (PMID: 31328266, 32607233, 15954103); Abnormal splicing is predicted by in silico tool(s) and affected nucleotide is highly conserved. Additional information: This variant is heterozygous; This gene is associated with X-linked dominant disease. Males are typically more severely affected than females (PMID: 19965530); No published segregation evidence has been identified for this variant; No published functional evidence has been identified for this variant; Dominant negative and loss of function are known mechanisms of disease in this gene and are associated with X-linked Alport syndrome 1 (MIM#301050). Dominant negative is caused mostly by glycine substitutions that affect the conformation of the protein, and loss of function can be caused by either protein truncating or missense variants (PMID: 24046192, 12028435); Variants in this gene are known to have variable expressivity. There is intrafamilial variability among affected carrier females, possibly due to variable X-inactivation (PMID: 14514738); Inheritance information for this variant is not currently available in this individual.

MVZ Medizinische Genetik Mainz
Classification: Pathogenic for X-linked Alport syndrome. Last evaluated: 2022-10-19. Review status: criteria provided, single submitter. Criteria: UK Practice Guidelines For Variant Classification V4 01 2020. Collection method: clinical testing. Allele origin: germline. Inheritance: X-linked dominant inheritance. Affected: yes. Observed: 1 variant allele.
Comment: ACMG Criteria: PVS1, PM2_SUP, PP4

Literature cited by the submitters: PubMed 24046192 (cited by Victorian Clinical Genetics Services, Murdoch Childrens Research Institute); PubMed 15954103 (cited by Victorian Clinical Genetics Services, Murdoch Childrens Research Institute); PubMed 12028435 (cited by Victorian Clinical Genetics Services, Murdoch Childrens Research Institute); PubMed 14514738 (cited by Victorian Clinical Genetics Services, Murdoch Childrens Research Institute); PubMed 19965530 (cited by Victorian Clinical Genetics Services, Murdoch Childrens Research Institute); PubMed 31328266 (cited by Victorian Clinical Genetics Services, Murdoch Childrens Research Institute); PubMed 32607233 (cited by Victorian Clinical Genetics Services, Murdoch Childrens Research Institute).